The following is an entry in ClinVar:

ClinVar aggregate classification (germline): Likely benign. Review status: criteria provided, multiple submitters, no conflicts (2 of 4 stars). 2 submissions from 2 submitters: Likely benign (2). Last evaluated 2025-03-02.

Conditions:
Cardiovascular phenotype. Identifiers: MedGen CN230736.
Hypertrophic cardiomyopathy. Also called: HYPERTROPHIC MYOCARDIOPATHY. Identifiers: Orphanet 217569, MedGen C0007194, MeSH D002312, MONDO:0005045, HP:0001639.

gnomAD v4.1: 3 of 1,611,344 alleles (0.00019%); highest among the groups gnomAD compares: Admixed American, 0.0017%; no homozygotes.

Submissions (2):

Ambry Genetics
Classification: Likely benign for Cardiovascular phenotype. Last evaluated: 2025-03-02. Review status: criteria provided, single submitter. Criteria: Ambry Variant Classification Scheme 2023. Collection method: clinical testing. Allele origin: germline.

All of Us Research Program, National Institutes of Health
Classification: Likely benign for Hypertrophic cardiomyopathy. Last evaluated: 2024-02-22. Review status: criteria provided, single submitter. Criteria: ACMG Guidelines, 2015. Collection method: clinical testing. Allele origin: germline. Inheritance: Autosomal dominant inheritance. Observed: 1 variant allele, 1 heterozygote.
Comment: This study involves interpretation of variants in research participants for the purpose of population health screening. Participant phenotype was not available at the time of variant classification. Additional details can be found in publication PMID: 35346344, PMCID: PMC8962531

NM_000256.3(MYBPC3):c.3072C>T (p.Ser1024=)

Gene: MYBPC3 (myosin binding protein C3; minus strand). Cytogenetic location: 11p11.2.
Variant type: single nucleotide variant.
Coding change: c.3072C>T on transcript NM_000256.3 (MANE Select); coding-DNA position 3072, C replaced by T.
Protein change: p.Ser1024=; no amino-acid change (serine 1024 retained).
Molecular consequence: synonymous variant.
Genome position (GRCh38, 1-based): chr11:47,333,675, G>A on the plus strand (C>T on the coding strand, the complement: MYBPC3 is on the minus strand). VCF-style: chr11-47333675-G-A. GRCh37 (hg19) VCF-style: chr11-47355226-G-A.
Identifiers: ClinVar variation 3387099 (VCV003387099.2).